The following is an entry in ClinVar:

ClinVar aggregate classification (germline): Likely benign (0 of 4 stars; one submission).

Conditions:
LRIG1-related disorder. Also called: LRIG1-related condition.

Allele frequency attached by ClinVar (database versions not stated): ExAC 0.00049; ESP Exome Variant Server 0.00108; gnomAD 0.00131; 1000 Genomes Project 0.00140; 1000 Genomes Project 30x 0.00141; TOPMed 0.00162.
gnomAD v4.1: 369 of 1,610,108 alleles (0.023%); highest among the groups gnomAD compares: African/African-American, 0.44%; no homozygotes.

Submission:

PreventionGenetics, part of Exact Sciences
Classification: Likely benign for LRIG1-related condition. Last evaluated: 2020-08-26. Review status: no assertion criteria provided. Collection method: clinical testing. Allele origin: germline.
Comment: This variant is classified as likely benign based on ACMG/AMP sequence variant interpretation guidelines (Richards et al. 2015 PMID: 25741868, with internal and published modifications).

NM_015541.3(LRIG1):c.1790T>C (p.Val597Ala)

Gene: LRIG1 (leucine rich repeats and immunoglobulin like domains 1; minus strand). Cytogenetic location: 3p14.1.
Variant type: single nucleotide variant.
Coding change: c.1790T>C on transcript NM_015541.3 (MANE Select); coding-DNA position 1790, T replaced by C.
Protein change: p.Val597Ala; replaces valine 597 with alanine.
Molecular consequence: missense variant.
Genome position (GRCh38, 1-based): chr3:66,384,272, A>G on the plus strand (T>C on the coding strand, the complement: LRIG1 is on the minus strand). VCF-style: chr3-66384272-A-G. GRCh37 (hg19) VCF-style: chr3-66434696-A-G.
Other names: c.1715T>C, p.Val572Ala (NM_001377344.1); c.1010T>C, p.Val337Ala (NM_001377345.1, NM_001377346.1); c.788T>C, p.Val263Ala (NM_001377347.1); c.761T>C, p.Val254Ala (NM_001377348.1); c.506T>C, p.Val169Ala (NM_001377349.1); short protein forms V169A, V254A, V263A, V337A, V572A, V597A.
Identifiers: ClinVar variation 3049878 (VCV003049878.2), dbSNP rs145020774, ClinGen allele CA2484602.